The following is an entry in ClinVar:

ClinVar aggregate classification (germline): Pathogenic (1 of 4 stars; one submission).

Conditions:
Muscular dystrophy-dystroglycanopathy type B6 (MDDGB6). Also called: MUSCULAR DYSTROPHY, CONGENITAL, LARGE-RELATED; MUSCULAR DYSTROPHY, CONGENITAL, TYPE 1D; MUSCULAR DYSTROPHY-DYSTROGLYCANOPATHY (CONGENITAL WITH IMPAIRED INTELLECTUAL DEVELOPMENT), TYPE B, 6. Identifiers: MedGen C1837229, MONDO:0012138, OMIM 608840.

Submission:

Labcorp Genetics (formerly Invitae), Labcorp
Classification: Pathogenic for Muscular dystrophy-dystroglycanopathy type B6. Last evaluated: 2023-06-28. Review status: criteria provided, single submitter. Criteria: Invitae Variant Classification Sherloc (09022015). Collection method: clinical testing. Allele origin: germline.
Comment: This sequence change creates a premature translational stop signal (p.Ser33Alafs*190) in the LARGE1 gene. It is expected to result in an absent or disrupted protein product. Loss-of-function variants in LARGE1 are known to be pathogenic (PMID: 12966029, 17878207). This variant is not present in population databases (gnomAD no frequency). This variant has not been reported in the literature in individuals affected with LARGE1-related conditions. For these reasons, this variant has been classified as Pathogenic.

Literature cited by the submitters: PubMed 12966029; PubMed 17878207.

NM_133642.5(LARGE1):c.96del (p.Ser33fs)

Gene: LARGE1 (LARGE xylosyl- and glucuronyltransferase 1; minus strand). Cytogenetic location: 22q12.3.
Variant type: Deletion.
Coding change: c.96del on transcript NM_133642.5 (MANE Select); coding-DNA position 96, one base deleted (G; older notation c.96delG).
Protein change: p.Ser33fs; shifts the reading frame from serine 33.
Molecular consequence: frameshift variant.
Genome position (GRCh38, 1-based): chr22:33,761,381, C deleted on the plus strand (G on the coding strand, the reverse complement: LARGE1 is on the minus strand); the first of 3 consecutive C bases (chr22:33,761,381-33,761,383); deleting any one gives the same sequence. VCF-style (leftmost placement, unchanged base first): chr22-33761380-TC-T. GRCh37 (hg19) VCF-style: chr22-34157367-TC-T.
Other names: c.96del, p.Ser33fs (NM_001362949.2, NM_001362951.2, NM_001362953.2 and 7 more transcripts); short protein forms S33fs.
Identifiers: ClinVar variation 2747160 (VCV002747160.3), dbSNP rs2520889050, ClinGen allele CA2697552700.